The following is an entry in ClinVar:

NM_015909.4(NBAS):c.3544T>C (p.Phe1182Leu)

Gene: NBAS (NBAS subunit of NRZ tethering complex; minus strand). Cytogenetic location: 2p24.3.
Variant type: single nucleotide variant.
Coding change: c.3544T>C on transcript NM_015909.4 (MANE Select); coding-DNA position 3544, T replaced by C.
Protein change: p.Phe1182Leu; replaces phenylalanine 1182 with leucine.
Molecular consequence: missense variant. On other transcripts: non-coding transcript variant (1).
Genome position (GRCh38, 1-based): chr2:15,379,648, A>G on the plus strand (T>C on the coding strand, the complement: NBAS is on the minus strand). VCF-style: chr2-15379648-A-G. GRCh37 (hg19) VCF-style: chr2-15519772-A-G.
Other names: short protein forms F1182L.
Identifiers: ClinVar variation 1471352 (VCV001471352.5), dbSNP rs1184006072, ClinGen allele CA345896832.
Genomic context (GRCh38, chr2:15,379,648, plus strand): 5'-TAGAGTTATTCTACCTGGCTAGATCCATGCAGCTATCAGTGAGGTTGGTAGAAGAATTGA[A>G]GTACTCTCTGCTGGCAGCCAAAACCAAGTCAATACTCTTTTCGTAGCTGACCCTGTAGTG-3'
Protein context (NP_056993.2, residues 1172-1192): DLVLAASREY[Phe1182Leu]NSSTNLTDSC

ClinVar aggregate classification (germline): Uncertain significance (1 of 4 stars; one submission).

Allele frequency attached by ClinVar (database versions not stated): gnomAD exomes below 0.00001; TOPMed below 0.00001.
gnomAD v4.1: 2 of 1,613,984 alleles (0.00012%); highest among the groups gnomAD compares: African/African-American, 0.0013%; no homozygotes.

Submission:

Labcorp Genetics (formerly Invitae), Labcorp
Classification: Uncertain significance. Last evaluated: 2022-09-07. Review status: criteria provided, single submitter. Criteria: Invitae Variant Classification Sherloc (09022015). Collection method: clinical testing. Allele origin: germline.
Comment: This sequence change replaces phenylalanine, which is neutral and non-polar, with leucine, which is neutral and non-polar, at codon 1182 of the NBAS protein (p.Phe1182Leu). This variant is not present in population databases (gnomAD no frequency). This variant has not been reported in the literature in individuals affected with NBAS-related conditions. ClinVar contains an entry for this variant (Variation ID: 1471352). Algorithms developed to predict the effect of missense changes on protein structure and function are either unavailable or do not agree on the potential impact of this missense change (SIFT: "Deleterious"; PolyPhen-2: "Possibly Damaging"; Align-GVGD: "Class C15"). In summary, the available evidence is currently insufficient to determine the role of this variant in disease. Therefore, it has been classified as a Variant of Uncertain Significance.